The following is an entry in ClinVar:

ClinVar aggregate classification (germline): Likely benign (1 of 4 stars; one submission).

Allele frequency attached by ClinVar (database versions not stated): ExAC 0.00007; TOPMed 0.00007; gnomAD 0.00008; gnomAD exomes 0.00020.
gnomAD v4.1: 276 of 1,485,838 alleles (0.019%); highest among the groups gnomAD compares: South Asian, 0.05%; no homozygotes.

Submission:

CeGaT Center for Human Genetics Tuebingen
Classification: Likely benign. Last evaluated: 2022-11-01. Review status: criteria provided, single submitter. Criteria: CeGaT Center For Human Genetics Tuebingen Variant Classification Criteria Version 2. Collection method: clinical testing. Allele origin: germline. Affected: yes. Observed: 1 variant allele.
Comment: PAXIP1: BP4, BP7

NM_007349.4(PAXIP1):c.1101G>A (p.Thr367=)

Gene: PAXIP1 (PAX interacting protein 1; minus strand). Cytogenetic location: 7q36.2.
Variant type: single nucleotide variant.
Coding change: c.1101G>A on transcript NM_007349.4 (MANE Select); coding-DNA position 1101, G replaced by A.
Protein change: p.Thr367=; no amino-acid change (threonine 367 retained).
Molecular consequence: synonymous variant.
Genome position (GRCh38, 1-based): chr7:154,969,100, C>T on the plus strand (G>A on the coding strand, the complement: PAXIP1 is on the minus strand). VCF-style: chr7-154969100-C-T. GRCh37 (hg19) VCF-style: chr7-154760810-C-T.
Identifiers: ClinVar variation 2658274 (VCV002658274.24), dbSNP rs774556449, ClinGen allele CA4584571.